The following is an entry in ClinVar:

NM_001903.5(CTNNA1):c.2635C>T (p.Gln879Ter)

Gene: CTNNA1 (catenin alpha 1; plus strand). Cytogenetic location: 5q31.2.
Variant type: single nucleotide variant.
Coding change: c.2635C>T on transcript NM_001903.5 (MANE Select); coding-DNA position 2635, C replaced by T.
Protein change: p.Gln879Ter; replaces glutamine 879 with a stop codon.
Molecular consequence: nonsense. On other transcripts: 3 prime UTR variant (5).
Genome position (GRCh38, 1-based): chr5:138,934,003, C>T. VCF-style: chr5-138934003-C-T. GRCh37 (hg19) VCF-style: chr5-138269692-C-T.
Other names: c.*180C>T (NM_001290307.3, NM_001324002.1, NM_001324003.1 and 2 more transcripts); c.2326C>T, p.Gln776Ter (NM_001290309.3); c.2266C>T, p.Gln756Ter (NM_001290310.3); c.1525C>T, p.Gln509Ter (NM_001290312.1, NM_001323987.1, NM_001323988.1 and 12 more transcripts); c.2635C>T, p.Gln879Ter (NM_001323982.2, NM_001323983.1, NM_001323984.2); c.2608C>T, p.Gln870Ter (NM_001323985.2); c.2542C>T, p.Gln848Ter (NM_001323986.2); c.1390C>T, p.Gln464Ter (NM_001324001.1); and 3 more; short protein forms Q870*, Q396*, Q464*, Q509*, Q756*, Q848*, Q879*, Q428*.
Identifiers: ClinVar variation 3498202 (VCV003498202.2).

ClinVar aggregate classification (germline): Uncertain significance (1 of 4 stars; one submission).

Conditions:
Hereditary cancer-predisposing syndrome. Also called: Tumor predisposition; Neoplastic Syndromes, Hereditary; Hereditary Cancer Syndrome; Hereditary neoplastic syndrome. Identifiers: Orphanet 140162, MedGen C0027672, MeSH D009386, MONDO:0015356.

Submission:

Ambry Genetics
Classification: Uncertain significance for Hereditary cancer-predisposing syndrome. Last evaluated: 2025-04-22. Review status: criteria provided, single submitter. Criteria: Ambry Variant Classification Scheme 2023. Collection method: clinical testing. Allele origin: germline.
Comment: The p.Q879* variant (also known as c.2635C>T), located in coding exon 17 of the CTNNA1 gene, results from a C to T substitution at nucleotide position 2635. This changes the amino acid from a glutamine to a stop codon within coding exon 17. This alteration occurs at the 3' terminus of theCTNNA1 gene, is not expected to trigger nonsense-mediated mRNAdecay, and impacts the last 28 amino acids of the protein. The exact functional effect of this alteration is unknown. Based on the available evidence, the clinical significance of this variant remains unclear.